The following is an entry in ClinVar:

ClinVar aggregate classification (germline): Uncertain significance (1 of 4 stars; one submission).

Allele frequency attached by ClinVar (database versions not stated): ExAC 0.00001; gnomAD 0.00001; TOPMed 0.00001; gnomAD exomes 0.00002; ESP Exome Variant Server 0.00015.
gnomAD v4.1: 15 of 1,613,970 alleles (0.00093%); highest among the groups gnomAD compares: Non-Finnish European, 0.0012%; no homozygotes.

Submission:

Labcorp Genetics (formerly Invitae), Labcorp
Classification: Uncertain significance. Last evaluated: 2025-06-16. Review status: criteria provided, single submitter. Criteria: Invitae Variant Classification Sherloc (09022015). Collection method: clinical testing. Allele origin: germline.
Comment: This sequence change affects codon 4031 of the HMCN1 mRNA. It is a 'silent' change, meaning that it does not change the encoded amino acid sequence of the HMCN1 protein. It affects a nucleotide within the consensus splice site. This variant is present in population databases (rs375565546, gnomAD 0.002%). This variant has not been reported in the literature in individuals affected with HMCN1-related conditions. ClinVar contains an entry for this variant (Variation ID: 2175251). Algorithms developed to predict the effect of sequence changes on RNA splicing suggest that this variant may disrupt the consensus splice site. In summary, the available evidence is currently insufficient to determine the role of this variant in disease. Therefore, it has been classified as a Variant of Uncertain Significance.

NM_031935.3(HMCN1):c.12093A>C (p.Ser4031=)

Gene: HMCN1 (hemicentin 1; plus strand). Cytogenetic location: 1q31.1.
Variant type: single nucleotide variant.
Coding change: c.12093A>C on transcript NM_031935.3 (MANE Select); coding-DNA position 12093, A replaced by C.
Protein change: p.Ser4031=; no amino-acid change (serine 4031 retained).
Molecular consequence: synonymous variant.
Genome position (GRCh38, 1-based): chr1:186,119,881, A>C. VCF-style: chr1-186119881-A-C. GRCh37 (hg19) VCF-style: chr1-186089013-A-C.
Identifiers: ClinVar variation 2175251 (VCV002175251.4), dbSNP rs375565546, ClinGen allele CA1294246.